The following is an entry in ClinVar:

NM_031935.3(HMCN1):c.7333A>T (p.Met2445Leu)

Gene: HMCN1 (hemicentin 1; plus strand). Cytogenetic location: 1q31.1.
Variant type: single nucleotide variant.
Coding change: c.7333A>T on transcript NM_031935.3 (MANE Select); coding-DNA position 7333, A replaced by T.
Protein change: p.Met2445Leu; replaces methionine 2445 with leucine.
Molecular consequence: missense variant.
Genome position (GRCh38, 1-based): chr1:186,061,871, A>T. VCF-style: chr1-186061871-A-T. GRCh37 (hg19) VCF-style: chr1-186031003-A-T.
Other names: short protein forms M2445L.
Identifiers: ClinVar variation 1420101 (VCV001420101.6), dbSNP rs1303616081, ClinGen allele CA343904636.
Genomic context (GRCh38, chr1:186,061,871, plus strand): 5'-TCTTTTTAAGTTATCTTAAAAAGATGGTTTGCTTCTGCAGGAGGCAGGATGCTACGGCTG[A>T]TGCAGACCACAATGGAAGATGCTGGCCAATATACTTGCGTTGTAAGGAATGCAGCTGGTG-3'
Protein context (NP_114141.2, residues 2435-2455): ILSGGRMLRL[Met2445Leu]QTTMEDAGQY

ClinVar aggregate classification (germline): Uncertain significance (1 of 4 stars; one submission).

Submission:

Labcorp Genetics (formerly Invitae), Labcorp
Classification: Uncertain significance. Last evaluated: 2025-04-26. Review status: criteria provided, single submitter. Criteria: Invitae Variant Classification Sherloc (09022015). Collection method: clinical testing. Allele origin: germline.
Comment: This sequence change replaces methionine, which is neutral and non-polar, with leucine, which is neutral and non-polar, at codon 2445 of the HMCN1 protein (p.Met2445Leu). This variant is not present in population databases (gnomAD no frequency). This variant has not been reported in the literature in individuals affected with HMCN1-related conditions. ClinVar contains an entry for this variant (Variation ID: 1420101). An algorithm developed to predict the effect of missense changes on protein structure and function outputs the following: PolyPhen-2: "Benign". The leucine amino acid residue is found in multiple mammalian species, which suggests that this missense change does not adversely affect protein function. In summary, the available evidence is currently insufficient to determine the role of this variant in disease. Therefore, it has been classified as a Variant of Uncertain Significance.